The following is an entry in ClinVar:

ClinVar aggregate classification (germline): Uncertain significance (1 of 4 stars; one submission).

Conditions:
Myopathy, proximal, and ophthalmoplegia (CMYO6). Also called: INCLUSION BODY MYOPATHY 3, AUTOSOMAL DOMINANT; MYOPATHY WITH CONGENITAL JOINT CONTRACTURES, OPHTHALMOPLEGIA, AND RIMMED VACUOLES; CONGENITAL MYOPATHY 6 WITH OPHTHALMOPLEGIA. Identifiers: Orphanet 363677, Orphanet 79091, MedGen C1854106, MONDO:0011577, OMIM 605637.

Submission:

Labcorp Genetics (formerly Invitae), Labcorp
Classification: Uncertain significance for Myopathy, proximal, and ophthalmoplegia. Last evaluated: 2024-02-06. Review status: criteria provided, single submitter. Criteria: Invitae Variant Classification Sherloc (09022015). Collection method: clinical testing. Allele origin: germline.
Comment: This sequence change falls in intron 34 of the MYH2 gene. It does not directly change the encoded amino acid sequence of the MYH2 protein. It affects a nucleotide within the consensus splice site. This variant is not present in population databases (gnomAD no frequency). This variant has not been reported in the literature in individuals affected with MYH2-related conditions. Variants that disrupt the consensus splice site are a relatively common cause of aberrant splicing (PMID: 17576681, 9536098). Algorithms developed to predict the effect of sequence changes on RNA splicing suggest that this variant is not likely to affect RNA splicing. In summary, the available evidence is currently insufficient to determine the role of this variant in disease. Therefore, it has been classified as a Variant of Uncertain Significance.

Literature cited by the submitters: PubMed 17576681; PubMed 9536098.

NM_017534.6(MYH2):c.4971+6T>C

Genes: MYHAS (myosin heavy chain gene cluster antisense RNA; plus strand), MYH2 (myosin heavy chain 2; minus strand), LOC126862500 (BRD4-independent group 4 enhancer GRCh37_chr17:10427829-10429028; plus strand). Cytogenetic location: 17p13.1.
Variant type: single nucleotide variant.
Coding change: c.4971+6T>C on transcript NM_017534.6 (MANE Select); 6 bases into the intron after coding-DNA position 4971, T replaced by C.
Molecular consequence: intron variant.
Genome position (GRCh38, 1-based): chr17:10,524,751, A>G on the plus strand (T>C on the coding strand, the complement: MYH2 is on the minus strand). VCF-style: chr17-10524751-A-G. GRCh37 (hg19) VCF-style: chr17-10428068-A-G.
Other names: c.4971+6T>C (NM_001100112.2).
Identifiers: ClinVar variation 2898351 (VCV002898351.3), dbSNP rs2508413183, ClinGen allele CA2739267155.